The following is an entry in ClinVar:

ClinVar aggregate classification (germline): Uncertain significance. Review status: criteria provided, multiple submitters, no conflicts (2 of 4 stars). 2 submissions from 2 submitters: Uncertain significance (2). Last evaluated 2023-08-29.

Conditions:
Hereditary cancer-predisposing syndrome. Also called: Tumor predisposition; Hereditary Cancer Syndrome; Hereditary neoplastic syndrome; Neoplastic Syndromes, Hereditary. Identifiers: Orphanet 140162, MedGen C0027672, MeSH D009386, MONDO:0015356.
Hereditary nonpolyposis colorectal neoplasms. Identifiers: MedGen C0009405, MeSH D003123.

Submissions (2):

Labcorp Genetics (formerly Invitae), Labcorp
Classification: Uncertain significance for Hereditary nonpolyposis colorectal neoplasms. Last evaluated: 2023-08-29. Review status: criteria provided, single submitter. Criteria: Invitae Variant Classification Sherloc (09022015). Collection method: clinical testing. Allele origin: germline.
Comment: In summary, the available evidence is currently insufficient to determine the role of this variant in disease. Therefore, it has been classified as a Variant of Uncertain Significance. Advanced modeling of protein sequence and biophysical properties (such as structural, functional, and spatial information, amino acid conservation, physicochemical variation, residue mobility, and thermodynamic stability) performed at Invitae indicates that this missense variant is not expected to disrupt MSH6 protein function. This variant has not been reported in the literature in individuals affected with MSH6-related conditions. This variant is not present in population databases (gnomAD no frequency). This sequence change replaces leucine, which is neutral and non-polar, with valine, which is neutral and non-polar, at codon 634 of the MSH6 protein (p.Leu634Val).

Ambry Genetics
Classification: Uncertain significance for Hereditary cancer-predisposing syndrome. Last evaluated: 2023-08-13. Review status: criteria provided, single submitter. Criteria: Ambry Variant Classification Scheme 2023. Collection method: clinical testing. Allele origin: germline.
Comment: The p.L634V variant (also known as c.1900T>G), located in coding exon 4 of the MSH6 gene, results from a T to G substitution at nucleotide position 1900. The leucine at codon 634 is replaced by valine, an amino acid with highly similar properties. This amino acid position is conserved. In addition, the in silico prediction for this alteration is inconclusive. Since supporting evidence is limited at this time, the clinical significance of this alteration remains unclear.

NM_000179.3(MSH6):c.1900T>G (p.Leu634Val)

Gene: MSH6 (mutS homolog 6; plus strand). Cytogenetic location: 2p16.3.
Variant type: single nucleotide variant.
Coding change: c.1900T>G on transcript NM_000179.3 (MANE Select); coding-DNA position 1900, T replaced by G.
Protein change: p.Leu634Val; replaces leucine 634 with valine.
Molecular consequence: missense variant. On other transcripts: non-coding transcript variant (5), intron variant (2).
Genome position (GRCh38, 1-based): chr2:47,799,883, T>G. VCF-style: chr2-47799883-T-G. GRCh37 (hg19) VCF-style: chr2-48027022-T-G.
Other names: c.1606+294T>G (NM_001406817.1); c.628-783T>G (NM_001407362.1); c.1510T>G, p.Leu504Val (NM_001281492.2); c.994T>G, p.Leu332Val (NM_001281493.2, NM_001281494.2, NM_001406811.1 and 6 more transcripts); c.1996T>G, p.Leu666Val (NM_001406795.1, NM_001406802.1); c.1900T>G, p.Leu634Val (NM_001406796.1, NM_001406798.1, NM_001406800.1 and 3 more transcripts); c.1603T>G, p.Leu535Val (NM_001406797.1, NM_001406801.1, NM_001406805.1 and 10 more transcripts); c.1375T>G, p.Leu459Val (NM_001406799.1, NM_001406806.1, NM_001406807.1); and 3 more; short protein forms L535V, L608V, L504V, L578V, L332V, L459V, L634V, L636V.
Identifiers: ClinVar variation 2624906 (VCV002624906.5), dbSNP rs876658471, ClinGen allele CA346750107.
Genomic context (GRCh38, chr2:47,799,883, plus strand): 5'-TCCTGTTCTCTTCAGGAAGGTCTGATACCCGGCTCCCAGTTTTGGGATGCATCCAAAACT[T>G]TGAGAACTCTCCTTGAGGAAGAATATTTTAGGGAAAAGCTAAGTGATGGCATTGGGGTGA-3'
Protein context (NP_000170.1, residues 624-644): GSQFWDASKT[Leu634Val]RTLLEEEYFR